The following is an entry in ClinVar:

NM_001205293.3(CACNA1E):c.176G>C (p.Arg59Pro)

Gene: CACNA1E (calcium voltage-gated channel subunit alpha1 E; plus strand). Cytogenetic location: 1q25.3.
Variant type: single nucleotide variant.
Coding change: c.176G>C on transcript NM_001205293.3 (MANE Select); coding-DNA position 176, G replaced by C.
Protein change: p.Arg59Pro; replaces arginine 59 with proline.
Molecular consequence: missense variant.
Genome position (GRCh38, 1-based): chr1:181,483,920, G>C. VCF-style: chr1-181483920-G-C. GRCh37 (hg19) VCF-style: chr1-181453056-G-C.
Other names: c.176G>C, p.Arg59Pro (NM_000721.4, NM_001205294.2); c.176G>C (NM_001205293.1); short protein forms R59P.
Identifiers: ClinVar variation 3600572 (VCV003600572.2).

ClinVar aggregate classification (germline): Uncertain significance. Review status: criteria provided, multiple submitters, no conflicts (2 of 4 stars). 2 submissions from 2 submitters: Uncertain significance (2). Last evaluated 2025-09-25.

Conditions:
Inborn genetic diseases. Identifiers: MedGen C0950123, MeSH D030342.

Submissions (2):

Ambry Genetics
Classification: Uncertain significance for Inborn genetic diseases. Last evaluated: 2025-09-25. Review status: criteria provided, single submitter. Criteria: Ambry Variant Classification Scheme 2023. Collection method: clinical testing. Allele origin: germline.

GeneDx
Classification: Uncertain significance. Last evaluated: 2024-07-25. Review status: criteria provided, single submitter. Criteria: GeneDx Variant Classification Process June 2021. Collection method: clinical testing. Allele origin: germline. Affected: yes.
Comment: Not observed at significant frequency in large population cohorts (gnomAD); In silico analysis supports that this missense variant has a deleterious effect on protein structure/function; Has not been previously published as pathogenic or benign to our knowledge